The following is an entry in ClinVar:

NM_001366385.1(CARD14):c.1027T>C (p.Tyr343His)

Gene: CARD14 (caspase recruitment domain family member 14; plus strand). Cytogenetic location: 17q25.3.
Variant type: single nucleotide variant.
Coding change: c.1027T>C on transcript NM_001366385.1 (MANE Select); coding-DNA position 1027, T replaced by C.
Protein change: p.Tyr343His; replaces tyrosine 343 with histidine.
Molecular consequence: missense variant.
Genome position (GRCh38, 1-based): chr17:80,190,837, T>C. VCF-style: chr17-80190837-T-C. GRCh37 (hg19) VCF-style: chr17-78164636-T-C.
Other names: c.1027T>C, p.Tyr343His (NM_001257970.1, NM_024110.4); c.316T>C, p.Tyr106His (NM_052819.3); c.1027T>C (NM_024110.3); short protein forms Y106H, Y343H.
Identifiers: ClinVar variation 1435236 (VCV001435236.8), dbSNP rs899554160, ClinGen allele CA294865285.
Genomic context (GRCh38, chr17:80,190,837, plus strand): 5'-TGGGAAGAGAAGGAACAGACCCTGCTGCAGTTCCAGAAGAGTAAGATGGCCTGCCAACTC[T>C]ACAGGGAGAAGGTGAATGCGCTGCAGGCCCAGGTGTGCGAGCTGCAGAAGGAGCGAGACC-3'
Protein context (NP_001353314.1, residues 333-353): FQKSKMACQL[Tyr343His]REKVNALQAQ

ClinVar aggregate classification (germline): Uncertain significance. Review status: criteria provided, multiple submitters, no conflicts (2 of 4 stars). 2 submissions from 2 submitters: Uncertain significance (2). Last evaluated 2026-05-05.

Conditions:
Inborn genetic diseases. Identifiers: MedGen C0950123, MeSH D030342.
Pityriasis rubra pilaris (PRP). Also called: Pityriasis rubra pilaris--familial type. Identifiers: Orphanet 2897, MedGen C0032027, MONDO:0100017, OMIM 173200, MONDO:0008251.
Psoriasis 2. Identifiers: MedGen C1864497, MONDO:0011269, OMIM 602723.

Allele frequency attached by ClinVar (database versions not stated): gnomAD 0.00005 and 0.00006; TOPMed 0.00010; gnomAD exomes 0.00001.
gnomAD v4.1: 17 of 1,613,914 alleles (0.0011%); highest among the groups gnomAD compares: Admixed American, 0.025%; no homozygotes.

Submissions (2):

Ambry Genetics
Classification: Uncertain significance for Inborn genetic diseases. Last evaluated: 2026-05-05. Review status: criteria provided, single submitter. Criteria: Ambry Variant Classification Scheme 2023. Collection method: clinical testing. Allele origin: germline.
Comment: The c.1027T>C (p.Y343H) alteration is located in exon 7 (coding exon 6) of the CARD14 gene. This alteration results from a T to C substitution at nucleotide position 1027, causing the tyrosine (Y) at amino acid position 343 to be replaced by a histidine (H). Based on data from gnomAD, the C allele has an overall frequency of 0.001% (2/251410) total alleles studied. The highest observed frequency was 0.006% (2/34590) of Latino alleles. Based on insufficient or conflicting evidence, the clinical significance of this alteration remains unclear.

Labcorp Genetics (formerly Invitae), Labcorp
Classification: Uncertain significance for Pityriasis rubra pilaris; Psoriasis 2. Last evaluated: 2025-06-12. Review status: criteria provided, single submitter. Criteria: Invitae Variant Classification Sherloc (09022015). Collection method: clinical testing. Allele origin: germline.
Comment: This sequence change replaces tyrosine, which is neutral and polar, with histidine, which is basic and polar, at codon 343 of the CARD14 protein (p.Tyr343His). This variant is present in population databases (no rsID available, gnomAD 0.006%). This variant has not been reported in the literature in individuals affected with CARD14-related conditions. ClinVar contains an entry for this variant (Variation ID: 1435236). Invitae Evidence Modeling of protein sequence and biophysical properties (such as structural, functional, and spatial information, amino acid conservation, physicochemical variation, residue mobility, and thermodynamic stability) indicates that this missense variant is not expected to disrupt CARD14 protein function with a negative predictive value of 95%. In summary, the available evidence is currently insufficient to determine the role of this variant in disease. Therefore, it has been classified as a Variant of Uncertain Significance.